The following is an entry in ClinVar:

NM_173354.5(SIK1):c.1189G>A (p.Val397Met)

Gene: SIK1 (salt inducible kinase 1; minus strand). Cytogenetic location: 21q22.3.
Variant type: single nucleotide variant.
Coding change: c.1189G>A on transcript NM_173354.5 (MANE Select); coding-DNA position 1189, G replaced by A.
Protein change: p.Val397Met; replaces valine 397 with methionine.
Molecular consequence: missense variant.
Genome position (GRCh38, 1-based): chr21:43,419,409, C>T on the plus strand (G>A on the coding strand, the complement: SIK1 is on the minus strand). VCF-style: chr21-43419409-C-T. GRCh37 (hg19) VCF-style: chr21-44839289-C-T.
Other names: short protein forms V397M.
Identifiers: ClinVar variation 2156686 (VCV002156686.4), dbSNP rs759414485, ClinGen allele CA321326125.

ClinVar aggregate classification (germline): Uncertain significance (1 of 4 stars; one submission).

Conditions:
Developmental and epileptic encephalopathy, 30 (DEE30). Also called: Epileptic encephalopathy, early infantile, 30. Identifiers: MedGen C4225360, MONDO:0014595, OMIM 616341.

Allele frequency attached by ClinVar (database versions not stated): ExAC 0.00001.

Submission:

Labcorp Genetics (formerly Invitae), Labcorp
Classification: Uncertain significance for Developmental and epileptic encephalopathy, 30. Last evaluated: 2025-08-29. Review status: criteria provided, single submitter. Criteria: Invitae Variant Classification Sherloc (09022015). Collection method: clinical testing. Allele origin: germline.
Comment: This sequence change replaces valine, which is neutral and non-polar, with methionine, which is neutral and non-polar, at codon 397 of the SIK1 protein (p.Val397Met). This variant is present in population databases (rs759414485, gnomAD 0.0009%). This variant has not been reported in the literature in individuals affected with SIK1-related conditions. ClinVar contains an entry for this variant (Variation ID: 2156686). Invitae Evidence Modeling of protein sequence and biophysical properties (such as structural, functional, and spatial information, amino acid conservation, physicochemical variation, residue mobility, and thermodynamic stability) indicates that this missense variant is not expected to disrupt SIK1 protein function with a negative predictive value of 95%. In summary, the available evidence is currently insufficient to determine the role of this variant in disease. Therefore, it has been classified as a Variant of Uncertain Significance.